The following is an entry in ClinVar:

ClinVar aggregate classification (germline): Uncertain significance (1 of 4 stars; one submission).

Conditions:
Hereditary cancer-predisposing syndrome. Also called: Neoplastic Syndromes, Hereditary; Tumor predisposition; Hereditary Cancer Syndrome; Hereditary neoplastic syndrome. Identifiers: Orphanet 140162, MedGen C0027672, MeSH D009386, MONDO:0015356.

Allele frequency attached by ClinVar (database versions not stated): gnomAD exomes below 0.00001.
gnomAD v4.1: 2 of 1,614,202 alleles (0.00012%); highest among the groups gnomAD compares: East Asian, 0.0022%; no homozygotes.

Submission:

Ambry Genetics
Classification: Uncertain significance for Hereditary cancer-predisposing syndrome. Last evaluated: 2018-09-24. Review status: criteria provided, single submitter. Criteria: Ambry Variant Classification Scheme 2023. Collection method: clinical testing. Allele origin: germline.
Comment: The p.K6E variant (also known as c.16A>G), located in coding exon 1 of the RAD50 gene, results from an A to G substitution at nucleotide position 16. The lysine at codon 6 is replaced by glutamic acid, an amino acid with similar properties. Studies conducted in yeast showed this alteration had deficient but not absent function (Alani E et al. Cell. 1990 May;61:419-36). In addition, this alteration was unable to rescue a lethal phenotype in mouse RAD50 null embryonic stem cells (Bender CF et al. Genes Dev. 2002 Sep;16:2237-51). This amino acid position is highly conserved in available vertebrate species. In addition, the in silico prediction for this alteration is inconclusive. Since supporting evidence is limited at this time, the clinical significance of this alteration remains unclear.

Literature cited by the submitters: PubMed 12208847; PubMed 2185891.

NM_005732.4(RAD50):c.16A>G (p.Lys6Glu)

Gene: RAD50 (RAD50 double strand break repair protein; plus strand). Cytogenetic location: 5q31.1.
Variant type: single nucleotide variant.
Coding change: c.16A>G on transcript NM_005732.4 (MANE Select); coding-DNA position 16, A replaced by G.
Protein change: p.Lys6Glu; replaces lysine 6 with glutamic acid.
Molecular consequence: missense variant.
Genome position (GRCh38, 1-based): chr5:132,557,340, A>G. VCF-style: chr5-132557340-A-G. GRCh37 (hg19) VCF-style: chr5-131893032-A-G.
Other names: short protein forms K6E.
Identifiers: ClinVar variation 819870 (VCV000819870.4), dbSNP rs1580974353, ClinGen allele CA360950776.